The following is an entry in ClinVar:

ClinVar aggregate classification (germline): Likely pathogenic. Review status: criteria provided, multiple submitters, no conflicts (2 of 4 stars). 2 submissions from 2 submitters: Likely pathogenic (2). Last evaluated 2025-02-04.

Conditions:
Dilated cardiomyopathy 1G (CMD1G). Identifiers: Orphanet 154, MedGen C1858763, MONDO:0011400, OMIM 604145.
Autosomal recessive limb-girdle muscular dystrophy type 2J (LGMDR10). Also called: Limb-girdle muscular dystrophy, type 2J; MUSCULAR DYSTROPHY, LIMB-GIRDLE, AUTOSOMAL RECESSIVE 10. Identifiers: Orphanet 140922, MedGen C1837342, MONDO:0012127, OMIM 608807.
Cardiovascular phenotype. Identifiers: MedGen CN230736.

Submissions (2):

Labcorp Genetics (formerly Invitae), Labcorp
Classification: Likely pathogenic for Dilated cardiomyopathy 1G; Autosomal recessive limb-girdle muscular dystrophy type 2J. Last evaluated: 2025-02-04. Review status: criteria provided, single submitter. Criteria: Invitae Variant Classification Sherloc (09022015). Collection method: clinical testing. Allele origin: germline.
Comment: This sequence change creates a premature translational stop signal (p.Glu26356*) in the TTN gene. While this is not anticipated to result in nonsense mediated decay, it is expected to create a truncated TTN protein. This variant is not present in population databases (gnomAD no frequency). This variant has not been reported in the literature in individuals affected with TTN-related conditions. ClinVar contains an entry for this variant (Variation ID: 3330114). This variant is located in the A band of TTN (PMID: 25589632). Truncating variants in this region are significantly overrepresented in patients affected with dilated cardiomyopathy (PMID: 25589632). Truncating variants in this region have also been reported in individuals affected with autosomal recessive centronuclear myopathy (PMID: 23975875). In summary, the currently available evidence indicates that the variant is pathogenic, but additional data are needed to prove that conclusively. Therefore, this variant has been classified as Likely Pathogenic.

Ambry Genetics
Classification: Likely pathogenic for Cardiovascular phenotype. Last evaluated: 2024-06-04. Review status: criteria provided, single submitter. Criteria: Ambry Variant Classification Scheme 2023. Collection method: clinical testing. Allele origin: germline.
Comment: The p.E17291* variant (also known as c.51871G>T), located in coding exon 153 of the TTN gene, results from a G to T substitution at nucleotide position 51871. This changes the amino acid from a glutamic acid to a stop codon within coding exon 153. This exon is located in the A-band region of the N2-B isoform of the titin protein and is constitutively expressed in TTN transcripts (percent spliced in or PSI 100%). This alteration is expected to result in loss of function by premature protein truncation or nonsense-mediated mRNA decay. While truncating variants in TTN are present in 1-3% of the general population, truncating variants in the A-band are the most common cause of dilated cardiomyopathy (DCM) (Herman DS et al. N. Engl. J. Med., 2012 Feb;366:619-28; Roberts AM et al. Sci Transl Med, 2015 Jan;7:270ra6). TTN truncating variants encoded in constitutive exons (PSI >90%) have been found to be significantly associated with DCM regardless of their position in titin (Schafer S et al. Nat. Genet., 2017 01;49:46-53). This variant is considered to be rare based on population cohorts in the Genome Aggregation Database (gnomAD). Based on the majority of available evidence to date, this variant is likely to be pathogenic.

Literature cited by the submitters: PubMed 25589632 (cited by Labcorp Genetics (formerly Invitae), Labcorp); PubMed 23975875 (cited by Labcorp Genetics (formerly Invitae), Labcorp).

NM_001267550.2(TTN):c.79066G>T (p.Glu26356Ter)

Genes: TTN (titin; minus strand), TTN-AS1 (TTN antisense RNA 1; plus strand). Cytogenetic location: 2q31.2.
Variant type: single nucleotide variant.
Coding change: c.79066G>T on transcript NM_001267550.2 (MANE Select); coding-DNA position 79066, G replaced by T.
Protein change: p.Glu26356Ter; replaces glutamic acid 26356 with a stop codon.
Molecular consequence: nonsense.
Genome position (GRCh38, 1-based): chr2:178,567,066, C>A on the plus strand (G>T on the coding strand, the complement: TTN is on the minus strand). VCF-style: chr2-178567066-C-A. GRCh37 (hg19) VCF-style: chr2-179431793-C-A.
Other names: c.52246G>T, p.Glu17416Ter (NM_133432.3); c.52447G>T, p.Glu17483Ter (NM_133437.4); c.74143G>T, p.Glu24715Ter (NM_001256850.1); c.51871G>T, p.Glu17291Ter (NM_003319.4); c.71362G>T, p.Glu23788Ter (NM_133378.4); short protein forms E17291*, E17416*, E17483*, E24715*, E26356*, E23788*.
Identifiers: ClinVar variation 3330114 (VCV003330114.2).